The following is an entry in ClinVar:

ClinVar aggregate classification (germline): Benign. Review status: criteria provided, multiple submitters, no conflicts (2 of 4 stars). 3 submissions from 3 submitters: Benign (2). 1 of the submissions does not count toward it. Last evaluated 2019-12-31.

Conditions:
LRIG2-related disorder. Also called: LRIG2-related condition.

Allele frequency attached by ClinVar (database versions not stated): gnomAD exomes 0.00068 and 0.00169; ExAC 0.00205; 1000 Genomes Project 0.00539; 1000 Genomes Project 30x 0.00531; TOPMed 0.00796; ESP Exome Variant Server 0.00746; gnomAD 0.00685 and 0.00739.
gnomAD v4.1: 2,061 of 1,613,774 alleles (0.13%); highest among the groups gnomAD compares: African/African-American, 2.5%; 26 homozygotes.

Submissions (3):

Labcorp Genetics (formerly Invitae), Labcorp
Classification: Benign. Last evaluated: 2019-12-31. Review status: criteria provided, single submitter. Criteria: Invitae Variant Classification Sherloc (09022015). Collection method: clinical testing. Allele origin: germline.

Breakthrough Genomics
Classification: Benign. Review status: criteria provided, single submitter. Criteria: ACMG Guidelines, 2015. Collection method: not provided. Allele origin: germline. Inheritance: Autosomal recessive inheritance. Affected: yes.

PreventionGenetics, part of Exact Sciences
Classification: Benign for LRIG2-related condition. Last evaluated: 2024-06-06. Review status: no assertion criteria provided. Collection method: clinical testing. Allele origin: germline. Not counted in ClinVar's aggregate classification.
Comment: This variant is classified as benign based on ACMG/AMP sequence variant interpretation guidelines (Richards et al. 2015 PMID: 25741868, with internal and published modifications).

NM_014813.3(LRIG2):c.1688G>C (p.Ser563Thr)

Gene: LRIG2 (leucine rich repeats and immunoglobulin like domains 2; plus strand). Cytogenetic location: 1p13.2.
Variant type: single nucleotide variant.
Coding change: c.1688G>C on transcript NM_014813.3 (MANE Select); coding-DNA position 1688, G replaced by C.
Protein change: p.Ser563Thr; replaces serine 563 with threonine.
Molecular consequence: missense variant.
Genome position (GRCh38, 1-based): chr1:113,110,452, G>C. VCF-style: chr1-113110452-G-C. GRCh37 (hg19) VCF-style: chr1-113653074-G-C.
Other names: c.1379G>C, p.Ser460Thr (NM_001312686.2); short protein forms S563T, S460T.
Identifiers: ClinVar variation 783941 (VCV000783941.6), dbSNP rs61752551, ClinGen allele CA1012059.